The following is an entry in ClinVar:

NM_033071.3(SYNE1):c.*750G>T

Genes: ESR1 (estrogen receptor 1; plus strand), SYNE1 (spectrin repeat containing nuclear envelope protein 1; minus strand). Cytogenetic location: 6q25.2.
Variant type: single nucleotide variant.
Coding change: c.*750G>T on transcript NM_033071.3; 750 bases downstream of the stop codon, G replaced by T.
Molecular consequence: intron variant (on NM_001328100.2).
Genome position (GRCh38, 1-based): chr6:152,121,686, C>A on the plus strand (G>T on the coding strand, the complement: SYNE1 is on the minus strand). VCF-style: chr6-152121686-C-A. GRCh37 (hg19) VCF-style: chr6-152442821-C-A.
Other names: c.851-3580C>A (NM_001328100.2).
Identifiers: ClinVar variation 355793 (VCV000355793.7), dbSNP rs2813558, ClinGen allele CA10626315.

ClinVar aggregate classification (germline): Benign. Review status: criteria provided, single submitter (1 of 4 stars). 2 submissions from 1 submitter: Benign (2). Last evaluated 2018-01-13.

Conditions:
Emery-Dreifuss muscular dystrophy 4, autosomal dominant (EDMD4). Also called: EMERY-DREIFUSS MUSCULAR DYSTROPHY 4 WITH VARIABLE FEATURES. Identifiers: Orphanet 261, MedGen C2751807, MONDO:0013071, OMIM 612998.
Autosomal recessive ataxia, Beauce type. Also called: Spinocerebellar ataxia, autosomal recessive 8; SYNE1 Deficiency; ATAXIA, RECESSIVE, OF BEAUCE; SYNE1-Related Autosomal Recessive Cerebellar Ataxia. Identifiers: Orphanet 88644, MedGen C1853116, MONDO:0012549, OMIM 610743.

Allele frequency attached by ClinVar (database versions not stated): TOPMed 0.23117; 1000 Genomes Project 30x 0.19675; gnomAD exomes 0.22275; 1000 Genomes Project 0.19589; gnomAD 0.23608.
gnomAD v4.1: 35,277 of 152,266 alleles (23%); highest among the groups gnomAD compares: African/African-American, 30%; 4,219 homozygotes.

Submissions (2):

Illumina Laboratory Services, Illumina
Classification: Benign for Autosomal recessive ataxia, Beauce type. Last evaluated: 2018-01-13. Review status: criteria provided, single submitter. Criteria: ICSL Variant Classification Criteria 13 December 2019. Collection method: clinical testing. Allele origin: germline.
Comment: This variant was observed in the ICSL laboratory as part of a predisposition screen in an ostensibly healthy population. It had not been previously curated by ICSL or reported in the Human Gene Mutation Database (HGMD: prior to June 1st, 2018), and was therefore a candidate for classification through an automated scoring system. Utilizing variant allele frequency, disease prevalence and penetrance estimates, and inheritance mode, an automated score was calculated to assess if this variant is too frequent to cause the disease. Based on the score and internal cut-off values, a variant classified as benign is not then subjected to further curation. The score for this variant resulted in a classification of benign for this disease.

Illumina Laboratory Services, Illumina
Classification: Benign for Emery-Dreifuss muscular dystrophy 4, autosomal dominant. Last evaluated: 2018-01-13. Review status: criteria provided, single submitter. Criteria: ICSL Variant Classification Criteria 13 December 2019. Collection method: clinical testing. Allele origin: germline.
Comment: the same text as in the submission from Illumina Laboratory Services, Illumina above.